The following is an entry in ClinVar:

ClinVar aggregate classification (germline): Uncertain significance (1 of 4 stars; one submission).

Conditions:
Granulomatous disease, chronic, X-linked. Also called: GRANULOMATOUS DISEASE, CHRONIC, X-LINKED, SOMATIC MOSAIC; CYTOCHROME b-NEGATIVE GRANULOMATOUS DISEASE, CHRONIC, X-LINKED. Identifiers: Orphanet 379, MedGen C1844376, MONDO:0010600, OMIM 306400.

Submission:

Labcorp Genetics (formerly Invitae), Labcorp
Classification: Uncertain significance for Granulomatous disease, chronic, X-linked. Last evaluated: 2025-10-07. Review status: criteria provided, single submitter. Criteria: Invitae Variant Classification Sherloc (09022015). Collection method: clinical testing. Allele origin: germline.
Comment: This sequence change falls in intron 3 of the CYBB gene. It does not directly change the encoded amino acid sequence of the CYBB protein. It affects a nucleotide within the consensus splice site. This variant is not present in population databases (gnomAD no frequency). This variant has not been reported in the literature in individuals affected with CYBB-related conditions. Variants that disrupt the consensus splice site are a relatively common cause of aberrant splicing (PMID: 17576681, 9536098). Algorithms developed to predict the effect of sequence changes on RNA splicing suggest that this variant may disrupt the consensus splice site. In summary, the available evidence is currently insufficient to determine the role of this variant in disease. Therefore, it has been classified as a Variant of Uncertain Significance.

Literature cited by the submitters: PubMed 17576681; PubMed 9536098.

NM_000397.4(CYBB):c.252+3A>T

Gene: CYBB (cytochrome b-245 beta chain; plus strand). Cytogenetic location: Xp21.1.
Variant type: single nucleotide variant.
Coding change: c.252+3A>T on transcript NM_000397.4 (MANE Select); 3 bases into the intron after coding-DNA position 252, A replaced by T.
Molecular consequence: intron variant.
Genome position (GRCh38, 1-based): chrX:37,783,603, A>T. VCF-style: chrX-37783603-A-T. GRCh37 (hg19) VCF-style: chrX-37642856-A-T.
Identifiers: ClinVar variation 4720294 (VCV004720294.1).